The following is an entry in ClinVar:

ClinVar aggregate classification (germline): Uncertain significance (1 of 4 stars; one submission).

Allele frequency attached by ClinVar (database versions not stated): gnomAD 0.00001; TOPMed 0.00001.
gnomAD v4.1: 6 of 1,614,070 alleles (0.00037%); highest among the groups gnomAD compares: Non-Finnish European, 0.00051%; no homozygotes.

Submission:

Labcorp Genetics (formerly Invitae), Labcorp
Classification: Uncertain significance. Last evaluated: 2025-12-01. Review status: criteria provided, single submitter. Criteria: Invitae Variant Classification Sherloc (09022015). Collection method: clinical testing. Allele origin: germline.
Comment: This sequence change replaces proline, which is neutral and non-polar, with serine, which is neutral and polar, at codon 3225 of the KMT2A protein (p.Pro3225Ser). This variant is present in population databases (no rsID available, gnomAD 0.007%). This variant has not been reported in the literature in individuals affected with KMT2A-related conditions. ClinVar contains an entry for this variant (Variation ID: 2788032). Invitae Evidence Modeling of protein sequence and biophysical properties (such as structural, functional, and spatial information, amino acid conservation, physicochemical variation, residue mobility, and thermodynamic stability) indicates that this missense variant is not expected to disrupt KMT2A protein function with a negative predictive value of 95%. In summary, the available evidence is currently insufficient to determine the role of this variant in disease. Therefore, it has been classified as a Variant of Uncertain Significance.

NM_001197104.2(KMT2A):c.9673C>T (p.Pro3225Ser)

Gene: KMT2A (lysine methyltransferase 2A; plus strand). Cytogenetic location: 11q23.3.
Variant type: single nucleotide variant.
Coding change: c.9673C>T on transcript NM_001197104.2 (MANE Select); coding-DNA position 9673, C replaced by T.
Protein change: p.Pro3225Ser; replaces proline 3225 with serine.
Molecular consequence: missense variant.
Genome position (GRCh38, 1-based): chr11:118,505,565, C>T. VCF-style: chr11-118505565-C-T. GRCh37 (hg19) VCF-style: chr11-118376280-C-T.
Other names: c.9763C>T, p.Pro3255Ser (NM_001412597.1); c.9664C>T, p.Pro3222Ser (NM_005933.4); short protein forms P3222S, P3225S, P3255S.
Identifiers: ClinVar variation 2788032 (VCV002788032.3), dbSNP rs936614724, ClinGen allele CA229529677.